The following is an entry in ClinVar:

NM_000108.5(DLD):c.676G>A (p.Val226Ile)

Gene: DLD (dihydrolipoamide dehydrogenase; plus strand). Cytogenetic location: 7q31.1.
Variant type: single nucleotide variant.
Coding change: c.676G>A on transcript NM_000108.5 (MANE Select); coding-DNA position 676, G replaced by A.
Protein change: p.Val226Ile; replaces valine 226 with isoleucine.
Molecular consequence: missense variant.
Genome position (GRCh38, 1-based): chr7:107,906,360, G>A. VCF-style: chr7-107906360-G-A. GRCh37 (hg19) VCF-style: chr7-107546805-G-A.
Other names: c.379G>A, p.Val127Ile (NM_001289750.1); c.607G>A, p.Val203Ile (NM_001289751.1); c.532G>A, p.Val178Ile (NM_001289752.1); short protein forms V127I, V178I, V203I, V226I.
Identifiers: ClinVar variation 5008267 (VCV005008267.1).
Genomic context (GRCh38, chr7:107,906,360, plus strand): 5'-GCTTTATCTTTAAAAAAAGTTCCAGAAAAGATGGTTGTTATTGGTGCAGGAGTAATAGGT[G>A]TAGAATTGGTAAGTGTTGTCTTTCTGCCTCTTATTACCTCCTTGGAGTTGGAAGGGACTT-3'
Protein context (NP_000099.2, residues 216-236): MVVIGAGVIG[Val226Ile]ELGSVWQRLG

ClinVar aggregate classification (germline): Uncertain significance (1 of 4 stars; one submission).

Submission:

GeneDx
Classification: Uncertain significance. Last evaluated: 2026-03-09. Review status: criteria provided, single submitter. Criteria: GeneDx Variant Classification Process June 2021. Collection method: clinical testing. Allele origin: germline.
Comment: Not observed at significant frequency in large population cohorts (gnomAD); In silico analysis suggests that this missense variant does not alter protein structure/function; Has not been previously published as pathogenic or benign to our knowledge